The following is an entry in ClinVar:

ClinVar aggregate classification (germline): Uncertain significance (1 of 4 stars; one submission).

gnomAD v4.1: 1 of 1,613,962 alleles (0.000062%); highest among the groups gnomAD compares: Middle Eastern, 0.017%; no homozygotes.

Submission:

Labcorp Genetics (formerly Invitae), Labcorp
Classification: Uncertain significance. Last evaluated: 2024-07-03. Review status: criteria provided, single submitter. Criteria: Invitae Variant Classification Sherloc (09022015). Collection method: clinical testing. Allele origin: germline.
Comment: This sequence change replaces valine, which is neutral and non-polar, with isoleucine, which is neutral and non-polar, at codon 87 of the ANK3 protein (p.Val87Ile). This variant is not present in population databases (gnomAD no frequency). This variant has not been reported in the literature in individuals affected with ANK3-related conditions. Advanced modeling of protein sequence and biophysical properties (such as structural, functional, and spatial information, amino acid conservation, physicochemical variation, residue mobility, and thermodynamic stability) performed at Invitae indicates that this missense variant is not expected to disrupt ANK3 protein function with a negative predictive value of 80%. In summary, the available evidence is currently insufficient to determine the role of this variant in disease. Therefore, it has been classified as a Variant of Uncertain Significance.

NM_020987.5(ANK3):c.259G>A (p.Val87Ile)

Gene: ANK3 (ankyrin 3; minus strand). Cytogenetic location: 10q21.2.
Variant type: single nucleotide variant.
Coding change: c.259G>A on transcript NM_020987.5 (MANE Select); coding-DNA position 259, G replaced by A.
Protein change: p.Val87Ile; replaces valine 87 with isoleucine.
Molecular consequence: missense variant.
Genome position (GRCh38, 1-based): chr10:60,279,106, C>T on the plus strand (G>A on the coding strand, the complement: ANK3 is on the minus strand). VCF-style: chr10-60279106-C-T. GRCh37 (hg19) VCF-style: chr10-62038864-C-T.
Other names: c.241G>A, p.Val81Ile (NM_001204403.2); c.208G>A, p.Val70Ile (NM_001204404.2); c.259G>A, p.Val87Ile (NM_001320874.2); short protein forms V70I, V81I, V87I.
Identifiers: ClinVar variation 3619671 (VCV003619671.2).
Genomic context (GRCh38, chr10:60,279,106, plus strand): 5'-TGACCTTTGTAGCTGCATCCACATTGGCTTCTCTCTGCAGCAGCTCAGAAACAACCTCTA[C>T]ATGGCCTTCTTTGGAAGCAAGGTGGAGAGCGTTCAACCCATTCTGATTAAAAGTAAAGGA-3'
Protein context (NP_066267.2, residues 77-97): ALHLASKEGH[Val87Ile]EVVSELLQRE